The following is an entry in ClinVar:

ClinVar aggregate classification (germline): Uncertain significance (1 of 4 stars; one submission).

Conditions:
Propionic acidemia (PROP). Also called: GLYCINEMIA, KETOTIC; HYPERGLYCINEMIA WITH KETOACIDOSIS AND LEUKOPENIA; KETOTIC HYPERGLYCINEMIA. Identifiers: Orphanet 35, MedGen C0268579, MONDO:0011628, OMIM 606054, HP:0003571.

Allele frequency attached by ClinVar (database versions not stated): gnomAD exomes below 0.00001; gnomAD 0.00001; TOPMed 0.00001; ExAC 0.00002; 1000 Genomes Project 30x 0.00016; 1000 Genomes Project 0.00020.
gnomAD v4.1: 4 of 1,613,702 alleles (0.00025%); highest among the groups gnomAD compares: East Asian, 0.0045%; no homozygotes.

Submission:

Labcorp Genetics (formerly Invitae), Labcorp
Classification: Uncertain significance for Propionic acidemia. Last evaluated: 2021-11-03. Review status: criteria provided, single submitter. Criteria: Invitae Variant Classification Sherloc (09022015). Collection method: clinical testing. Allele origin: germline.
Comment: This sequence change replaces asparagine, which is neutral and polar, with serine, which is neutral and polar, at codon 315 of the PCCB protein (p.Asn315Ser). This variant is present in population databases (rs558836100, gnomAD 0.01%). This variant has not been reported in the literature in individuals affected with PCCB-related conditions. Advanced modeling of protein sequence and biophysical properties (such as structural, functional, and spatial information, amino acid conservation, physicochemical variation, residue mobility, and thermodynamic stability) performed at Invitae indicates that this missense variant is not expected to disrupt PCCB protein function. In summary, the available evidence is currently insufficient to determine the role of this variant in disease. Therefore, it has been classified as a Variant of Uncertain Significance.

NM_000532.5(PCCB):c.944A>G (p.Asn315Ser)

Gene: PCCB (propionyl-CoA carboxylase subunit beta; plus strand). Cytogenetic location: 3q22.3.
Variant type: single nucleotide variant.
Coding change: c.944A>G on transcript NM_000532.5 (MANE Select); coding-DNA position 944, A replaced by G.
Protein change: p.Asn315Ser; replaces asparagine 315 with serine.
Molecular consequence: missense variant.
Genome position (GRCh38, 1-based): chr3:136,301,089, A>G. VCF-style: chr3-136301089-A-G. GRCh37 (hg19) VCF-style: chr3-136019931-A-G.
Other names: c.1004A>G, p.Asn335Ser (NM_001178014.2); short protein forms N335S, N315S.
Identifiers: ClinVar variation 1420007 (VCV001420007.3), dbSNP rs558836100, ClinGen allele CA2631944.